The following is an entry in ClinVar:

NM_001042492.3(NF1):c.5130_5131del (p.Asp1710fs)

Gene: NF1 (neurofibromin 1; plus strand). Cytogenetic location: 17q11.2.
Variant type: Deletion.
Coding change: c.5130_5131del on transcript NM_001042492.3 (MANE Select); coding-DNA positions 5130 to 5131, 2 bases deleted (CT; older notation c.5130_5131delCT).
Protein change: p.Asp1710fs; shifts the reading frame from aspartic acid 1710.
Molecular consequence: frameshift variant.
Genome position (GRCh38, 1-based): chr17:31,326,114-31,326,115, CT deleted. VCF-style (leftmost placement, unchanged base first): chr17-31326113-ACT-A. GRCh37 (hg19) VCF-style: chr17-29653131-ACT-A.
Other names: c.5067_5068delCT, p.Asp1689Glufs (NM_000267.4); short protein forms D1689fs, D1710fs.
Identifiers: ClinVar variation 2866788 (VCV002866788.3), dbSNP rs2508697394, ClinGen allele CA2739267460.

ClinVar aggregate classification (germline): Pathogenic (1 of 4 stars; one submission).

Conditions:
Neurofibromatosis, type 1 (NF1). Also called: Neurofibromatosis, type I; NEUROFIBROMATOSIS, TYPE I, SOMATIC; Peripheral type neurofibromatosis; VON RECKLINGHAUSEN DISEASE. Identifiers: Orphanet 636, MedGen C0027831, MONDO:0018975, OMIM 162200. Disease mechanism: loss of function.

Submission:

Labcorp Genetics (formerly Invitae), Labcorp
Classification: Pathogenic for Neurofibromatosis, type 1. Last evaluated: 2023-05-22. Review status: criteria provided, single submitter. Criteria: Invitae Variant Classification Sherloc (09022015). Collection method: clinical testing. Allele origin: germline.
Comment: For these reasons, this variant has been classified as Pathogenic. This variant has not been reported in the literature in individuals affected with NF1-related conditions. This variant is not present in population databases (gnomAD no frequency). This sequence change creates a premature translational stop signal (p.Asp1689Glufs*7) in the NF1 gene. It is expected to result in an absent or disrupted protein product. Loss-of-function variants in NF1 are known to be pathogenic (PMID: 10712197, 23913538).

Literature cited by the submitters: PubMed 10712197; PubMed 23913538.